The following is an entry in ClinVar:

ClinVar aggregate classification (germline): Uncertain significance (1 of 4 stars; one submission).

Submission:

Labcorp Genetics (formerly Invitae), Labcorp
Classification: Uncertain significance. Last evaluated: 2022-10-24. Review status: criteria provided, single submitter. Criteria: Invitae Variant Classification Sherloc (09022015). Collection method: clinical testing. Allele origin: germline.
Comment: In summary, the available evidence is currently insufficient to determine the role of this variant in disease. Therefore, it has been classified as a Variant of Uncertain Significance. Algorithms developed to predict the effect of missense changes on protein structure and function (SIFT, PolyPhen-2, Align-GVGD) all suggest that this variant is likely to be disruptive. ClinVar contains an entry for this variant (Variation ID: 967929). This variant has not been reported in the literature in individuals affected with VCAN-related conditions. This variant is not present in population databases (gnomAD no frequency). This sequence change replaces lysine, which is basic and polar, with glutamic acid, which is acidic and polar, at codon 3231 of the VCAN protein (p.Lys3231Glu).

NM_004385.5(VCAN):c.9691A>G (p.Lys3231Glu)

Genes: VCAN (versican; plus strand), VCAN-AS1 (VCAN antisense RNA 1; minus strand), LOC126807443 (BRD4-independent group 4 enhancer GRCh37_chr5:82849966-82851165; plus strand). Cytogenetic location: 5q14.3.
Variant type: single nucleotide variant.
Coding change: c.9691A>G on transcript NM_004385.5 (MANE Select); coding-DNA position 9691, A replaced by G.
Protein change: p.Lys3231Glu; replaces lysine 3231 with glutamic acid.
Molecular consequence: missense variant.
Genome position (GRCh38, 1-based): chr5:83,554,994, A>G. VCF-style: chr5-83554994-A-G. GRCh37 (hg19) VCF-style: chr5-82850813-A-G.
Other names: c.1468A>G, p.Lys490Glu (NM_001126336.3); c.6730A>G, p.Lys2244Glu (NM_001164097.2); c.4429A>G, p.Lys1477Glu (NM_001164098.2); short protein forms K1477E, K490E, K2244E, K3231E.
Identifiers: ClinVar variation 967929 (VCV000967929.10), dbSNP rs1747614568, ClinGen allele CA360297694.